The following is an entry in ClinVar:

ClinVar aggregate classification (germline): Uncertain significance (1 of 4 stars; one submission).

Conditions:
Aicardi-Goutieres syndrome 3. Identifiers: Orphanet 51, MedGen C1835916, MONDO:0012471, OMIM 610329.

Allele frequency attached by ClinVar (database versions not stated): TOPMed below 0.00001.

Submission:

Labcorp Genetics (formerly Invitae), Labcorp
Classification: Uncertain significance for Aicardi-Goutieres syndrome 3. Last evaluated: 2022-10-26. Review status: criteria provided, single submitter. Criteria: Invitae Variant Classification Sherloc (09022015). Collection method: clinical testing. Allele origin: germline.
Comment: Algorithms developed to predict the effect of missense changes on protein structure and function output the following: SIFT: "Tolerated"; PolyPhen-2: "Benign"; Align-GVGD: "Class C0". The leucine amino acid residue is found in multiple mammalian species, which suggests that this missense change does not adversely affect protein function. In summary, the available evidence is currently insufficient to determine the role of this variant in disease. Therefore, it has been classified as a Variant of Uncertain Significance. This variant has not been reported in the literature in individuals affected with RNASEH2C-related conditions. This variant is not present in population databases (gnomAD no frequency). This sequence change replaces valine, which is neutral and non-polar, with leucine, which is neutral and non-polar, at codon 91 of the RNASEH2C protein (p.Val91Leu).

NM_032193.4(RNASEH2C):c.271G>T (p.Val91Leu)

Gene: RNASEH2C (ribonuclease H2 subunit C; minus strand). Cytogenetic location: 11q13.1.
Variant type: single nucleotide variant.
Coding change: c.271G>T on transcript NM_032193.4 (MANE Select); coding-DNA position 271, G replaced by T.
Protein change: p.Val91Leu; replaces valine 91 with leucine.
Molecular consequence: missense variant.
Genome position (GRCh38, 1-based): chr11:65,720,319, C>A on the plus strand (G>T on the coding strand, the complement: RNASEH2C is on the minus strand). VCF-style: chr11-65720319-C-A. GRCh37 (hg19) VCF-style: chr11-65487790-C-A.
Other names: short protein forms V91L.
Identifiers: ClinVar variation 2082676 (VCV002082676.4), dbSNP rs1857351270, ClinGen allele CA381298822.